The following is an entry in ClinVar:

NM_001042413.2(GLIS3):c.24G>T (p.Met8Ile)

Gene: GLIS3 (GLIS family zinc finger 3; minus strand). Cytogenetic location: 9p24.2.
Variant type: single nucleotide variant.
Coding change: c.24G>T on transcript NM_001042413.2 (MANE Select); coding-DNA position 24, G replaced by T.
Protein change: p.Met8Ile; replaces methionine 8 with isoleucine.
Molecular consequence: missense variant.
Genome position (GRCh38, 1-based): chr9:4,286,402, C>A on the plus strand (G>T on the coding strand, the complement: GLIS3 is on the minus strand). VCF-style: chr9-4286402-C-A. GRCh37 (hg19) VCF-style: chr9-4286402-C-A.
Other names: short protein forms M8I.
Identifiers: ClinVar variation 917459 (VCV000917459.3), dbSNP rs201804281, ClinGen allele CA4968734.

ClinVar aggregate classification (germline): Uncertain significance. Review status: criteria provided, multiple submitters, no conflicts (2 of 4 stars). 2 submissions from 2 submitters: Uncertain significance (2). Last evaluated 2021-10-15.

Conditions:
Neonatal diabetes mellitus with congenital hypothyroidism. Also called: NDH SYNDROME. Identifiers: Orphanet 79118, MedGen C1857775, MONDO:0012436, OMIM 610199.
Monogenic diabetes. Identifiers: Orphanet 183625, MedGen C3888631, MONDO:0015967.

Allele frequency attached by ClinVar (database versions not stated): gnomAD exomes 0.00001 and 0.00002; ExAC 0.00003; TOPMed 0.00006; gnomAD 0.00009.
gnomAD v4.1: 22 of 1,614,028 alleles (0.0014%); highest among the groups gnomAD compares: African/African-American, 0.028%; no homozygotes.

Submissions (2):

Fulgent Genetics
Classification: Uncertain significance for Neonatal diabetes mellitus with congenital hypothyroidism. Last evaluated: 2021-10-15. Review status: criteria provided, single submitter. Criteria: ACMG Guidelines, 2015. Collection method: clinical testing. Allele origin: unknown.

Personalized Diabetes Medicine Program, University of Maryland School of Medicine
Classification: Uncertain significance for Monogenic diabetes. Last evaluated: 2017-12-15. Review status: criteria provided, single submitter. Criteria: ACMG Guidelines, 2015. Collection method: research. Allele origin: unknown. Observed: 1 variant allele, 1 heterozygote.
Comment: ACMG criteria: PP3 (4 predictors), BP4 (5 predictors) =VUS